The following is an entry in ClinVar:

NM_017721.5(CC2D1A):c.380C>T (p.Pro127Leu)

Gene: CC2D1A (coiled-coil and C2 domain containing 1A; plus strand). Cytogenetic location: 19p13.12.
Variant type: single nucleotide variant.
Coding change: c.380C>T on transcript NM_017721.5 (MANE Select); coding-DNA position 380, C replaced by T.
Protein change: p.Pro127Leu; replaces proline 127 with leucine.
Molecular consequence: missense variant.
Genome position (GRCh38, 1-based): chr19:13,913,169, C>T. VCF-style: chr19-13913169-C-T. GRCh37 (hg19) VCF-style: chr19-14023982-C-T.
Other names: short protein forms P127L.
Identifiers: ClinVar variation 587922 (VCV000587922.6), dbSNP rs750108401, ClinGen allele CA9244270.

ClinVar aggregate classification (germline): Uncertain significance. Review status: criteria provided, multiple submitters, no conflicts (2 of 4 stars). 3 submissions from 3 submitters: Uncertain significance (3). Last evaluated 2023-11-16.

Conditions:
Inborn genetic diseases. Identifiers: MedGen C0950123, MeSH D030342.

Allele frequency attached by ClinVar (database versions not stated): TOPMed 0.00002; gnomAD 0.00003; gnomAD exomes 0.00003 and 0.00005; ExAC 0.00008.
gnomAD v4.1: 46 of 1,606,198 alleles (0.0029%); highest among the groups gnomAD compares: South Asian, 0.028%; no homozygotes.

Submissions (3):

Women's Health and Genetics/Laboratory Corporation of America, LabCorp
Classification: Uncertain significance. Last evaluated: 2023-11-16. Review status: criteria provided, single submitter. Criteria: LabCorp Variant Classification Summary - May 2015. Collection method: clinical testing. Allele origin: germline.
Comment: Variant summary: CC2D1A c.380C>T (p.Pro127Leu) results in a non-conservative amino acid change in the encoded protein sequence. Three of five in-silico tools predict a damaging effect of the variant on protein function. In addition, this variant disrupts the second nucleotide of exon 5, and therefore can affect splicing. Consensus agreement among computation tools predict no significant impact on normal splicing. However, these predictions have yet to be confirmed by functional studies. The variant allele was found at a frequency of 4.7e-05 in 236018 control chromosomes (i.e., 11 heterozygotes, no homozygotes; gnomAD v2 Exomes dataset). The available data on variant occurrences in the general population are insufficient to allow any conclusion about variant significance. c.380C>T has been reported in the literature in at least one individual affected with Intellectual Disability 3 (e.g., Xiong_2019). These data do not allow any conclusion about variant significance. To our knowledge, no experimental evidence demonstrating an impact on protein function has been reported. The following publication was ascertained in the context of this evaluation (PMID: 31031587). One submitter has reported clinical-significance assessments for this variant to ClinVar after 2014 and has classified the variant as uncertain significance. Based on the evidence outlined above, the variant was classified as uncertain significance.

Blueprint Genetics
Classification: Uncertain significance. Last evaluated: 2022-12-12. Review status: criteria provided, single submitter. Criteria: ACMG Guidelines, 2015. Collection method: clinical testing. Allele origin: germline.

Ambry Genetics
Classification: Uncertain significance for Inborn genetic diseases. Last evaluated: 2016-10-31. Review status: criteria provided, single submitter. Criteria: Ambry Variant Classification Scheme 2023. Collection method: clinical testing. Allele origin: germline.
Comment: The p.P127L variant (also known as c.380C>T), located in coding exon 5 of the CC2D1A gene, results from a C to T substitution at nucleotide position 380. The proline at codon 127 is replaced by leucine, an amino acid with similar properties. This variant was not reported in population based cohorts in the following databases: Database of Single Nucleotide Polymorphisms (dbSNP), NHLBI Exome Sequencing Project (ESP), and 1000 Genomes Project. In the ESP, this variant was not observed in 6117 samples (12234 alleles) with coverage at this position. This amino acid position is well conserved in available vertebrate species. In addition, this alteration is predicted to be tolerated by in silico analysis. Since supporting evidence is limited at this time, the clinical significance of this variant remains unclear.

Literature cited by the submitters: PubMed 31031587 (cited by Women's Health and Genetics/Laboratory Corporation of America, LabCorp).